The following is an entry in ClinVar:

ClinVar aggregate classification (germline): Likely benign (1 of 4 stars; one submission).

Submission:

CeGaT Center for Human Genetics Tuebingen
Classification: Likely benign. Last evaluated: 2023-01-01. Review status: criteria provided, single submitter. Criteria: CeGaT Center For Human Genetics Tuebingen Variant Classification Criteria Version 2. Collection method: clinical testing. Allele origin: germline. Affected: yes. Observed: 1 variant allele.
Comment: IGF1R: BS2

NM_000875.5(IGF1R):c.*3470_*3471dup

Gene: IGF1R (insulin like growth factor 1 receptor; plus strand). Cytogenetic location: 15q26.3.
Variant type: Duplication.
Coding change: c.*3470_*3471dup on transcript NM_000875.5 (MANE Select); 3470 bases downstream of the stop codon through 3471 bases downstream of the stop codon, 2 bases duplicated (CC; older notation c.*3470_*3471dupCC).
Molecular consequence: 3 prime UTR variant.
Genome position (GRCh38, 1-based): chr15:98,960,912-98,960,913, CC duplicated; duplicating any 2 consecutive bases within chr15:98,960,906-98,960,913 gives the same sequence; the c. name uses the placement nearest the transcript's 3' end. VCF-style (leftmost placement, unchanged base first): chr15-98960905-G-GCC. GRCh37 (hg19) VCF-style: chr15-99504134-G-GCC.
Other names: c.*3470_*3471dup (NM_001291858.2).
Identifiers: ClinVar variation 2645738 (VCV002645738.24), dbSNP rs3833014, ClinGen allele CA620067504.